The following is an entry in ClinVar:

ClinVar aggregate classification (germline): Uncertain significance. Review status: criteria provided, multiple submitters, no conflicts (2 of 4 stars). 4 submissions from 4 submitters: Uncertain significance (4). Last evaluated 2023-12-18.

Conditions:
Arrhythmogenic cardiomyopathy with wooly hair and keratoderma. Also called: PALMOPLANTAR KERATODERMA WITH LEFT VENTRICULAR CARDIOMYOPATHY AND WOOLLY HAIR; Dilated cardiomyopathy with woolly hair and keratoderma; Arrhythmogenic cardiomyopathy with woolly hair and keratoderma; Carvajal syndrome. Identifiers: Orphanet 65282, MedGen C1854063, MONDO:0011581, OMIM 605676.
Arrhythmogenic right ventricular dysplasia 8 (ARVD8). Also called: Arrhythmogenic Right Ventricular Dysplasia/Cardiomyopathy 8; ARRHYTHMOGENIC RIGHT VENTRICULAR DYSPLASIA, FAMILIAL, 8; ARRHYTHMOGENIC RIGHT VENTRICULAR CARDIOMYOPATHY 8. Identifiers: MedGen C1843896, MONDO:0011831, OMIM 607450.
Cardiovascular phenotype. Identifiers: MedGen CN230736.
Cardiomyopathy (CMYO). Also called: Cardiomyopathies. Identifiers: Orphanet 167848, MedGen C0878544, MONDO:0004994, HP:0001638. Inheritance: Various modes of inheritance.

Allele frequency attached by ClinVar (database versions not stated): gnomAD exomes below 0.00001.
gnomAD v4.1: 4 of 1,614,126 alleles (0.00025%); highest among the groups gnomAD compares: South Asian, 0.0033%; no homozygotes.

Submissions (4):

All of Us Research Program, National Institutes of Health
Classification: Uncertain significance for Arrhythmogenic cardiomyopathy with wooly hair and keratoderma. Last evaluated: 2023-12-18. Review status: criteria provided, single submitter. Criteria: ACMG Guidelines, 2015. Collection method: clinical testing. Allele origin: germline. Inheritance: Autosomal dominant inheritance. Observed: 1 variant allele, 1 heterozygote.
Comment: This missense variant replaces isoleucine with valine at codon 542 of the DSP protein. Computational prediction suggests that this variant may not impact protein structure and function (internally defined REVEL score threshold <= 0.5, PMID: 27666373). To our knowledge, functional studies have not been reported for this variant. This variant has not been reported in individuals affected with cardiovascular disorders in the literature. This variant has not been identified in the general population by the Genome Aggregation Database (gnomAD). The available evidence is insufficient to determine the role of this variant in disease conclusively. Therefore, this variant is classified as a Variant of Uncertain Significance.

This study involves interpretation of variants in research participants for the purpose of population health screening. Participant phenotype was not available at the time of variant classification. Additional details can be found in publication PMID: 35346344, PMCID: PMC8962531

Color Diagnostics, LLC DBA Color Health
Classification: Uncertain significance for Cardiomyopathy. Last evaluated: 2023-11-30. Review status: criteria provided, single submitter. Criteria: ACMG Guidelines, 2015. Collection method: clinical testing. Allele origin: germline.
Comment: This missense variant replaces isoleucine with valine at codon 542 of the DSP protein. Computational prediction suggests that this variant may not impact protein structure and function. To our knowledge, functional studies have not been reported for this variant. This variant has not been reported in individuals affected with cardiovascular disorders in the literature. This variant has not been identified in the general population by the Genome Aggregation Database (gnomAD). The available evidence is insufficient to determine the role of this variant in disease conclusively. Therefore, this variant is classified as a Variant of Uncertain Significance.

Labcorp Genetics (formerly Invitae), Labcorp
Classification: Uncertain significance for Arrhythmogenic cardiomyopathy with wooly hair and keratoderma; Arrhythmogenic right ventricular dysplasia 8. Last evaluated: 2022-08-04. Review status: criteria provided, single submitter. Criteria: Invitae Variant Classification Sherloc (09022015). Collection method: clinical testing. Allele origin: germline.
Comment: This sequence change replaces isoleucine, which is neutral and non-polar, with valine, which is neutral and non-polar, at codon 542 of the DSP protein (p.Ile542Val). This variant is not present in population databases (gnomAD no frequency). This variant has not been reported in the literature in individuals affected with DSP-related conditions. ClinVar contains an entry for this variant (Variation ID: 1408632). Algorithms developed to predict the effect of missense changes on protein structure and function (SIFT, PolyPhen-2, Align-GVGD) all suggest that this variant is likely to be disruptive. In summary, the available evidence is currently insufficient to determine the role of this variant in disease. Therefore, it has been classified as a Variant of Uncertain Significance.

Ambry Genetics
Classification: Uncertain significance for Cardiovascular phenotype. Last evaluated: 2021-08-27. Review status: criteria provided, single submitter. Criteria: Ambry Variant Classification Scheme 2023. Collection method: clinical testing. Allele origin: germline.
Comment: The p.I542V variant (also known as c.1624A>G), located in coding exon 13 of the DSP gene, results from an A to G substitution at nucleotide position 1624. The isoleucine at codon 542 is replaced by valine, an amino acid with highly similar properties. This amino acid position is highly conserved in available vertebrate species. In addition, this alteration is predicted to be tolerated by in silico analysis. Since supporting evidence is limited at this time, the clinical significance of this alteration remains unclear.

NM_004415.4(DSP):c.1624A>G (p.Ile542Val)

Gene: DSP (desmoplakin; plus strand). Cytogenetic location: 6p24.3.
Variant type: single nucleotide variant.
Coding change: c.1624A>G on transcript NM_004415.4 (MANE Select); coding-DNA position 1624, A replaced by G.
Protein change: p.Ile542Val; replaces isoleucine 542 with valine.
Molecular consequence: missense variant.
Genome position (GRCh38, 1-based): chr6:7,570,486, A>G. VCF-style: chr6-7570486-A-G. GRCh37 (hg19) VCF-style: chr6-7570719-A-G.
Other names: c.1624A>G, p.Ile542Val (NM_001008844.3, NM_001319034.2); short protein forms I542V.
Identifiers: ClinVar variation 1408632 (VCV001408632.16), dbSNP rs2113677376, ClinGen allele CA362678196.